The following is an entry in ClinVar:

NM_000038.6(APC):c.5953_5960del (p.Glu1985fs)

Gene: APC (APC regulator of Wnt signaling pathway; plus strand). Cytogenetic location: 5q22.2.
Variant type: Deletion.
Coding change: c.5953_5960del on transcript NM_000038.6 (MANE Select); coding-DNA positions 5953 to 5960, 8 bases deleted (GAACCTAT; older notation c.5953_5960delGAACCTAT).
Protein change: p.Glu1985fs; shifts the reading frame from glutamic acid 1985.
Molecular consequence: frameshift variant.
Genome position (GRCh38, 1-based): chr5:112,841,547-112,841,554, GAACCTAT deleted; deleting any 8 consecutive bases within chr5:112,841,545-112,841,554 gives the same sequence; the c. name uses the placement nearest the transcript's 3' end. VCF-style (leftmost placement, unchanged base first): chr5-112841544-AATGAACCT-A. GRCh37 (hg19) VCF-style: chr5-112177241-AATGAACCT-A.
Other names: c.5953_5960del, p.Glu1985fs (NM_001127510.3, NM_001354895.2); c.5899_5906del, p.Glu1967fs (NM_001127511.3); c.6007_6014del, p.Glu2003fs (NM_001354896.2); c.5983_5990del, p.Glu1995fs (NM_001354897.2); c.5878_5885del, p.Glu1960fs (NM_001354898.2); c.5869_5876del, p.Glu1957fs (NM_001354899.2); c.5830_5837del, p.Glu1944fs (NM_001354900.2); c.5776_5783del, p.Glu1926fs (NM_001354901.2); and 5 more; short protein forms E1702fs, E1825fs, E1894fs, E1957fs, E1995fs, E2003fs, E1884fs, E1944fs.
Identifiers: ClinVar variation 1453099 (VCV001453099.8), dbSNP rs2149953251, ClinGen allele CA2573138685.
Genomic context (GRCh38, chr5:112,841,544, plus strand): 5'-TCTCATAATTCCTCTCTGAGTTCTCTCAGTGACATTGACCAAGAAAACAACAATAAAGAA[AATGAACCT>A]ATCAAAGAGACTGAGCCCCCTGACTCACAGGGAGAACCAAGTAAACCTCAAGCATCAGGC-3'

ClinVar aggregate classification (germline): Pathogenic (1 of 4 stars; one submission).

Conditions:
Familial adenomatous polyposis 1 (FAP1). Also called: POLYPOSIS, ADENOMATOUS INTESTINAL; FAMILIAL ADENOMATOUS POLYPOSIS 1, ATTENUATED. Identifiers: MedGen C2713442, MONDO:0021056, OMIM 175100. Disease mechanism: loss of function.

Submission:

Labcorp Genetics (formerly Invitae), Labcorp
Classification: Pathogenic for Familial adenomatous polyposis 1. Last evaluated: 2021-04-30. Review status: criteria provided, single submitter. Criteria: Invitae Variant Classification Sherloc (09022015). Collection method: clinical testing. Allele origin: germline.
Comment: This variant has not been reported in the literature in individuals with APC-related conditions. This variant is expected to disrupt the EB1 and HDLG binding sites, which mediate interactions with the cytoskeleton (PMID: 15311282, 17293347). While functional studies have not been performed to directly test the effect on APC protein function, this suggests that disruption of the C-terminal portion of the protein is functionally important. For these reasons, this variant has been classified as Pathogenic. A different truncation (p.Tyr2645Lysfs*14) that lies downstream of this variant has been determined to be pathogenic (PMID: 9824584, 1316610, 27081525, 8381579, 22135120, Invitae). This suggests that deletion of this region of the APC protein is causative of disease. This variant is not present in population databases (ExAC no frequency). This sequence change creates a premature translational stop signal (p.Glu1985Glnfs*4) in the APC gene. While this is not anticipated to result in nonsense mediated decay, it is expected to disrupt the last 859 amino acid(s) of the APC protein.

Literature cited by the submitters: PubMed 15311282; PubMed 17293347; PubMed 9824584; PubMed 1316610; PubMed 27081525; PubMed 8381579; PubMed 22135120.